The following is an entry in ClinVar:

NM_001113491.2(SEPTIN9):c.1042G>A (p.Asp348Asn)

Gene: SEPTIN9 (septin 9; plus strand). Cytogenetic location: 17q25.3.
Variant type: single nucleotide variant.
Coding change: c.1042G>A on transcript NM_001113491.2 (MANE Select); coding-DNA position 1042, G replaced by A.
Protein change: p.Asp348Asn; replaces aspartic acid 348 with asparagine.
Molecular consequence: missense variant.
Genome position (GRCh38, 1-based): chr17:77,487,552, G>A. VCF-style: chr17-77487552-G-A. GRCh37 (hg19) VCF-style: chr17-75483634-G-A.
Other names: c.550G>A, p.Asp184Asn (NM_001113492.2, NM_001113494.1); c.1021G>A, p.Asp341Asn (NM_001113493.2); c.289G>A, p.Asp97Asn (NM_001113495.2, NM_001113496.2, NM_001293697.2 and 1 more transcripts); c.985G>A, p.Asp329Asn (NM_001293695.2); c.370G>A, p.Asp124Asn (NM_001293696.2); c.988G>A, p.Asp330Asn (NM_006640.5); short protein forms D330N, D184N, D348N, D124N, D329N, D341N, D97N.
Identifiers: ClinVar variation 325554 (VCV000325554.42), dbSNP rs201560726, ClinGen allele CA8793637.

ClinVar aggregate classification (germline): Conflicting classifications of pathogenicity. Review status: criteria provided, conflicting classifications (1 of 4 stars). 3 submissions from 3 submitters: Uncertain significance (1); Benign (1); Likely benign (1). Last evaluated 2026-01-23.

Conditions:
Amyotrophic neuralgia (HNA). Also called: AMYOTROPHY, HEREDITARY NEURALGIC, WITH PREDILECTION FOR BRACHIAL PLEXUS; Hereditary Brachial Plexus Neuropathy; Neuritis with Brachial Predilection; AMYOTROPHY, HEREDITARY NEURALGIC. Identifiers: Orphanet 2901, MedGen C1834304, MONDO:0008076, OMIM 162100.

Allele frequency attached by ClinVar (database versions not stated): ExAC 0.00012; gnomAD exomes 0.00014 and 0.00034; ESP Exome Variant Server 0.00016; gnomAD 0.00017 and 0.00018; TOPMed 0.00020.
gnomAD v4.1: 514 of 1,612,702 alleles (0.032%); highest among the groups gnomAD compares: Non-Finnish European, 0.04%; no homozygotes.

Submissions (4):

Labcorp Genetics (formerly Invitae), Labcorp
Classification: Uncertain significance. Last evaluated: 2026-01-23. Review status: criteria provided, single submitter. Criteria: Invitae Variant Classification Sherloc (09022015). Collection method: clinical testing. Allele origin: germline.
Comment: This sequence change replaces aspartic acid, which is acidic and polar, with asparagine, which is neutral and polar, at codon 330 of the SEPT9 protein (p.Asp330Asn). The frequency data for this variant in the population databases is considered unreliable, as metrics indicate poor data quality at this position in the gnomAD database. This variant has not been reported in the literature in individuals affected with SEPT9-related conditions. ClinVar contains an entry for this variant (Variation ID: 325554). An algorithm developed to predict the effect of missense changes on protein structure and function (PolyPhen-2) suggests that this variant is likely to be disruptive. In summary, the available evidence is currently insufficient to determine the role of this variant in disease. Therefore, it has been classified as a Variant of Uncertain Significance.

CeGaT Center for Human Genetics Tuebingen
Classification: Likely benign. Last evaluated: 2022-07-01. Review status: criteria provided, single submitter. Criteria: CeGaT Center For Human Genetics Tuebingen Variant Classification Criteria Version 2. Collection method: clinical testing. Allele origin: germline. Affected: yes. Observed: 1 variant allele.
Comment: SEPTIN9: BS1

Illumina Laboratory Services, Illumina
Classification: Benign for Amyotrophy, hereditary neuralgic. Last evaluated: 2018-01-13. Review status: criteria provided, single submitter. Criteria: ICSL Variant Classification Criteria 13 December 2019. Collection method: clinical testing. Allele origin: germline.
Comment: This variant was observed in the ICSL laboratory as part of a predisposition screen in an ostensibly healthy population. It had not been previously curated by ICSL or reported in the Human Gene Mutation Database (HGMD: prior to June 1st, 2018), and was therefore a candidate for classification through an automated scoring system. Utilizing variant allele frequency, disease prevalence and penetrance estimates, and inheritance mode, an automated score was calculated to assess if this variant is too frequent to cause the disease. Based on the score and internal cut-off values, a variant classified as benign is not then subjected to further curation. The score for this variant resulted in a classification of benign for this disease.

Dr. Peter K. Rogan Lab, Western University
No classification provided (evidence only). Condition: Sarcoma. Review status: no classification provided. Collection method: in vitro. Allele origin: not applicable. Functional consequence: retained intron. Not counted in ClinVar's aggregate classification.